The following is an entry in ClinVar:

NM_152419.3(HGSNAT):c.887C>A (p.Ser296Ter)

Gene: HGSNAT (heparan-alpha-glucosaminide N-acetyltransferase; plus strand). Cytogenetic location: 8p11.21.
Variant type: single nucleotide variant.
Coding change: c.887C>A on transcript NM_152419.3 (MANE Select); coding-DNA position 887, C replaced by A.
Protein change: p.Ser296Ter; replaces serine 296 with a stop codon.
Molecular consequence: nonsense. On other transcripts: intron variant (1).
Genome position (GRCh38, 1-based): chr8:43,178,109, C>A. VCF-style: chr8-43178109-C-A. GRCh37 (hg19) VCF-style: chr8-43033252-C-A.
Other names: c.887C>A, p.Ser296Ter (NM_001363227.2); c.23C>A, p.Ser8Ter (NM_001363229.2); c.821-4036C>A (NM_001363228.2); short protein forms S296*, S8*.
Identifiers: ClinVar variation 542424 (VCV000542424.5), dbSNP rs372933126, ClinGen allele CA371116962.
Genomic context (GRCh38, chr8:43,178,109, plus strand): 5'-CTATTAATAACTAGATTCTTTTTAGGTTTGTATTTATTATGGGATCTTCCATTTTTCTAT[C>A]GATGACTTCTATACTGCAACGGGGGTGTTCAAAATTCAGATTGCTGGGGAAGATTGCATG-3'

ClinVar aggregate classification (germline): Pathogenic (1 of 4 stars; one submission).

Conditions:
Mucopolysaccharidosis, MPS-III-C (MPS3C). Also called: SANFILIPPO SYNDROME C; MPS III C; MUCOPOLYSACCHARIDOSIS, TYPE IIIC; Mucopolysaccharidosis type IIIC (Sanfilippo C); MPS IIIC (Sanfilippo Syndrome Type C); mucopolysaccharidosis type 3C. Identifiers: Orphanet 581, Orphanet 79271, MedGen C0086649, MONDO:0009657, OMIM 252930.
Retinitis pigmentosa 73 (RP73). Identifiers: Orphanet 791, MedGen C4225287, MONDO:0014687, OMIM 616544.

Submission:

Labcorp Genetics (formerly Invitae), Labcorp
Classification: Pathogenic for Retinitis pigmentosa 73; Mucopolysaccharidosis, MPS-III-C. Last evaluated: 2017-09-24. Review status: criteria provided, single submitter. Criteria: Invitae Variant Classification Sherloc (09022015). Collection method: clinical testing. Allele origin: germline.
Comment: This sequence change creates a premature translational stop signal (p.Ser296*) in the HGSNAT gene. It is expected to result in an absent or disrupted protein product. This variant is not present in population databases (ExAC no frequency). This variant has not been reported in the literature in individuals with HGSNAT-related disease. Loss-of-function variants in HGSNAT are known to be pathogenic (PMID: 17033958, 19479962, 25859010). For these reasons, this variant has been classified as Pathogenic.

Literature cited by the submitters: PubMed 17033958; PubMed 19479962; PubMed 25859010.